The following is an entry in ClinVar:

NM_001282225.2(ADA2):c.632T>A (p.Phe211Tyr)

Gene: ADA2 (adenosine deaminase 2; minus strand). Cytogenetic location: 22q11.1.
Variant type: single nucleotide variant.
Coding change: c.632T>A on transcript NM_001282225.2 (MANE Select); coding-DNA position 632, T replaced by A.
Protein change: p.Phe211Tyr; replaces phenylalanine 211 with tyrosine.
Molecular consequence: missense variant.
Genome position (GRCh38, 1-based): chr22:17,203,684, A>T on the plus strand (T>A on the coding strand, the complement: ADA2 is on the minus strand). VCF-style: chr22-17203684-A-T. GRCh37 (hg19) VCF-style: chr22-17684574-A-T.
Other names: c.632T>A, p.Phe211Tyr (NM_001282226.2); c.506T>A, p.Phe169Tyr (NM_001282227.2, NM_001282228.2); c.272T>A, p.Phe91Tyr (NM_001282229.2); short protein forms F211Y, F91Y, F169Y.
Identifiers: ClinVar variation 1378365 (VCV001378365.6), dbSNP rs373928007, ClinGen allele CA10088170.

ClinVar aggregate classification (germline): Uncertain significance. Review status: criteria provided, multiple submitters, no conflicts (2 of 4 stars). 2 submissions from 2 submitters: Uncertain significance (2). Last evaluated 2022-06-30.

Conditions:
Deficiency of adenosine deaminase 2. Also called: VASCULITIS, AUTOINFLAMMATION, IMMUNODEFICIENCY, AND HEMATOLOGIC DEFECTS SYNDROME; Polyarteritis nodosa, childhoood-onset; Adenosine Deaminase 2 Deficiency. Identifiers: Orphanet 404553, MedGen C3887654, MONDO:0014306, OMIM 615688, MONDO:0100317.
Sneddon syndrome (SNDNS). Also called: Idiopathic livedo reticularis with systemic involvement; LIVEDO RETICULARIS AND CEREBROVASCULAR ACCIDENTS. Identifiers: Orphanet 820, MedGen C0282492, MONDO:0008436, OMIM 182410.

Allele frequency attached by ClinVar (database versions not stated): gnomAD 0.00007 and 0.00009; ESP Exome Variant Server 0.00008; gnomAD exomes 0.00009 and 0.00004; ExAC 0.00011; TOPMed 0.00002.
gnomAD v4.1: 77 of 1,613,956 alleles (0.0048%); highest among the groups gnomAD compares: Non-Finnish European, 0.0043%; no homozygotes.

Submissions (2):

Labcorp Genetics (formerly Invitae), Labcorp
Classification: Uncertain significance for Deficiency of adenosine deaminase 2. Last evaluated: 2022-06-30. Review status: criteria provided, single submitter. Criteria: Invitae Variant Classification Sherloc (09022015). Collection method: clinical testing. Allele origin: germline.
Comment: This sequence change replaces phenylalanine, which is neutral and non-polar, with tyrosine, which is neutral and polar, at codon 211 of the ADA2 protein (p.Phe211Tyr). This variant is present in population databases (rs373928007, gnomAD 0.03%). This variant has not been reported in the literature in individuals affected with ADA2-related conditions. Algorithms developed to predict the effect of missense changes on protein structure and function are either unavailable or do not agree on the potential impact of this missense change (SIFT: "Deleterious"; PolyPhen-2: "Probably Damaging"; Align-GVGD: "Class C0"). In summary, the available evidence is currently insufficient to determine the role of this variant in disease. Therefore, it has been classified as a Variant of Uncertain Significance.

Fulgent Genetics
Classification: Uncertain significance for Sneddon syndrome; Deficiency of adenosine deaminase 2. Last evaluated: 2021-12-21. Review status: criteria provided, single submitter. Criteria: ACMG Guidelines, 2015. Collection method: clinical testing. Allele origin: unknown.